The following is an entry in ClinVar:

NM_001370259.2(MEN1):c.1699G>C (p.Ala567Pro)

Gene: MEN1 (menin 1; minus strand). Cytogenetic location: 11q13.1.
Variant type: single nucleotide variant.
Coding change: c.1699G>C on transcript NM_001370259.2 (MANE Select); coding-DNA position 1699, G replaced by C.
Protein change: p.Ala567Pro; replaces alanine 567 with proline.
Molecular consequence: missense variant.
Genome position (GRCh38, 1-based): chr11:64,804,468, C>G on the plus strand (G>C on the coding strand, the complement: MEN1 is on the minus strand). VCF-style: chr11-64804468-C-G. GRCh37 (hg19) VCF-style: chr11-64571940-C-G.
Other names: c.1714G>C, p.Ala572Pro (NM_000244.4, NM_130800.3, NM_130801.3 and 3 more transcripts); c.1825G>C, p.Ala609Pro (NM_001370251.2); c.1699G>C, p.Ala567Pro (NM_001370260.2, NM_001370261.2, NM_130799.3); c.1594G>C, p.Ala532Pro (NM_001370262.2, NM_001370263.2); short protein forms A567P, A572P, A609P, A532P.
Identifiers: ClinVar variation 485724 (VCV000485724.12), dbSNP rs1555163185, ClinGen allele CA381177639.
Genomic context (GRCh38, chr11:64,804,468, plus strand): 5'-TCTGCACTTGCGACTGTGCCGTGAGTTGCAGCTTGATGGCGCTCGAGTTGATCTTGGTGG[C>G]CACCAGCAGCTCCTTCATGCCCTTCATCTTCTCACTCTGGAAAGTGAGCACTGGACCCTC-3'
Protein context (NP_001357188.2, residues 557-577): KMKGMKELLV[Ala567Pro]TKINSSAIKL

ClinVar aggregate classification (germline): Uncertain significance. Review status: criteria provided, multiple submitters, no conflicts (2 of 4 stars). 3 submissions from 3 submitters: Uncertain significance (3). Last evaluated 2026-07-15.

Conditions:
Multiple endocrine neoplasia, type 1 (MEN1). Also called: MEA I; MEN I; WERMER SYNDROME; Endocrine adenomatosis multiple; MEN 1. Identifiers: Orphanet 652, MedGen C0025267, MeSH D018761, MONDO:0007540, OMIM 131100.
Hereditary cancer-predisposing syndrome. Also called: Neoplastic Syndromes, Hereditary; Hereditary neoplastic syndrome; Hereditary Cancer Syndrome; Tumor predisposition. Identifiers: Orphanet 140162, MedGen C0027672, MeSH D009386, MONDO:0015356.

Submissions (3):

Ambry Genetics
Classification: Uncertain significance for Hereditary cancer-predisposing syndrome. Last evaluated: 2026-07-15. Review status: criteria provided, single submitter. Criteria: Ambry Variant Classification Scheme 2023. Collection method: clinical testing. Allele origin: germline.
Comment: The p.A567P variant (also known as c.1699G>C), located in coding exon 9 of the MEN1 gene, results from a G to C substitution at nucleotide position 1699. The alanine at codon 567 is replaced by proline, an amino acid with highly similar properties. This amino acid position is well conserved in available vertebrate species. In addition, this alteration is predicted to be deleterious by in silico analysis. Based on the available evidence, the clinical significance of this variant remains unclear.

Baylor Genetics
Classification: Uncertain significance for Multiple Endocrine Neoplasia Type 1. Last evaluated: 2023-10-08. Review status: criteria provided, single submitter. Criteria: ACMG Guidelines, 2015. Collection method: clinical testing. Allele origin: unknown.

Labcorp Genetics (formerly Invitae), Labcorp
Classification: Uncertain significance for Multiple endocrine neoplasia, type 1. Last evaluated: 2023-03-24. Review status: criteria provided, single submitter. Criteria: Invitae Variant Classification Sherloc (09022015). Collection method: clinical testing. Allele origin: germline.
Comment: This sequence change replaces alanine, which is neutral and non-polar, with proline, which is neutral and non-polar, at codon 567 of the MEN1 protein (p.Ala567Pro). This variant is not present in population databases (gnomAD no frequency). This variant has not been reported in the literature in individuals affected with MEN1-related conditions. ClinVar contains an entry for this variant (Variation ID: 485724). Advanced modeling of protein sequence and biophysical properties (such as structural, functional, and spatial information, amino acid conservation, physicochemical variation, residue mobility, and thermodynamic stability) performed at Invitae indicates that this missense variant is expected to disrupt MEN1 protein function. In summary, the available evidence is currently insufficient to determine the role of this variant in disease. Therefore, it has been classified as a Variant of Uncertain Significance.